The following is an entry in ClinVar:

NC_000019.10:g.(?_53794029)_(53801417_?)del

Gene: NLRP12 (NLR family pyrin domain containing 12; minus strand). Cytogenetic location: 19q13.42.
Variant type: Deletion.
Identifiers: ClinVar variation 832205 (VCV000832205.2).

ClinVar aggregate classification (germline): Uncertain significance (1 of 4 stars; one submission).

Conditions:
Familial cold autoinflammatory syndrome 2 (FCAS2). Identifiers: Orphanet 247868, MedGen C2673198, MONDO:0012724, OMIM 611762.

Submission:

Labcorp Genetics (formerly Invitae), Labcorp
Classification: Uncertain significance for Familial cold autoinflammatory syndrome 2. Last evaluated: 2019-11-12. Review status: criteria provided, single submitter. Criteria: Invitae Variant Classification Sherloc (09022015). Collection method: clinical testing. Allele origin: germline.
Comment: This variant is a gross deletion of the genomic region encompassing exons 7-10 of the NLRP12 gene. The 5' boundary is likely confined to intron 6. The 3' end of this event is unknown as it extends through the termination codon beyond the assayed region for this gene and may encompass additional genes. While this deletion is not anticipated to result in nonsense mediated decay, it is expected to create a truncated protein product or disrupt mRNA translation. This variant has not been reported in the literature in individuals with NLRP12-related conditions. Experimental studies and prediction algorithms are not available or were not evaluated, and the functional significance of this variant is currently unknown. In summary, the available evidence is currently insufficient to determine the role of this variant in disease. Therefore, it has been classified as a Variant of Uncertain Significance.